The following is an entry in ClinVar:

NM_003611.3(OFD1):c.1927G>T (p.Glu643Ter)

Gene: OFD1 (OFD1 centriole and centriolar satellite protein; plus strand). Cytogenetic location: Xp22.2.
Variant type: single nucleotide variant.
Coding change: c.1927G>T on transcript NM_003611.3 (MANE Select); coding-DNA position 1927, G replaced by T.
Protein change: p.Glu643Ter; replaces glutamic acid 643 with a stop codon.
Molecular consequence: nonsense.
Genome position (GRCh38, 1-based): chrX:13,760,387, G>T. VCF-style: chrX-13760387-G-T. GRCh37 (hg19) VCF-style: chrX-13778506-G-T.
Other names: c.1807G>T, p.Glu603Ter (NM_001330209.2); c.1507G>T, p.Glu503Ter (NM_001330210.2); short protein forms E503*, E603*, E643*.
Identifiers: ClinVar variation 2945700 (VCV002945700.3), dbSNP rs1397283663, ClinGen allele CA412344134.

ClinVar aggregate classification (germline): Pathogenic (1 of 4 stars; one submission).

Conditions:
Joubert syndrome. Also called: CEREBELLOPARENCHYMAL DISORDER IV; JOUBERT-BOLTSHAUSER SYNDROME; Familial aplasia of the vermis. Identifiers: Orphanet 475, MedGen C5979921, MONDO:0018772.
Orofaciodigital syndrome I (OFD1). Also called: OFDS I; Papillon-Leage and Psaume Syndrome; Oral-Facial-Digital Syndrome Type I. Identifiers: Orphanet 2750, MedGen C1510460, MONDO:0010702, OMIM 311200.

Submission:

Labcorp Genetics (formerly Invitae), Labcorp
Classification: Pathogenic for Orofaciodigital syndrome I; Joubert syndrome. Last evaluated: 2023-03-23. Review status: criteria provided, single submitter. Criteria: Invitae Variant Classification Sherloc (09022015). Collection method: clinical testing. Allele origin: germline.
Comment: This variant is not present in population databases (gnomAD no frequency). This sequence change creates a premature translational stop signal (p.Glu643*) in the OFD1 gene. It is expected to result in an absent or disrupted protein product. Loss-of-function variants in OFD1 are known to be pathogenic (PMID: 16783569, 18546297, 27081566). This variant has not been reported in the literature in individuals affected with OFD1-related conditions. For these reasons, this variant has been classified as Pathogenic.

Literature cited by the submitters: PubMed 16783569; PubMed 18546297; PubMed 27081566.